The following is an entry in ClinVar:

NM_001377.3(DYNC2H1):c.11689C>T (p.Arg3897Trp)

Gene: DYNC2H1 (dynein cytoplasmic 2 heavy chain 1; plus strand). Cytogenetic location: 11q22.3.
Variant type: single nucleotide variant.
Coding change: c.11689C>T on transcript NM_001377.3 (MANE Select); coding-DNA position 11689, C replaced by T.
Protein change: p.Arg3897Trp; replaces arginine 3897 with tryptophan.
Molecular consequence: missense variant.
Genome position (GRCh38, 1-based): chr11:103,316,584, C>T. VCF-style: chr11-103316584-C-T. GRCh37 (hg19) VCF-style: chr11-103187313-C-T.
Other names: c.11710C>T, p.Arg3904Trp (NM_001080463.2); short protein forms R3897W, R3904W.
Identifiers: ClinVar variation 2041175 (VCV002041175.2), dbSNP rs371409785, ClinGen allele CA6255347.
Genomic context (GRCh38, chr11:103,316,584, plus strand): 5'-AAAAAAATTGTTTTTTGACAGGGTTGGACAAAGTTTTATGAATTTTCTTTATCAGATCTT[C>T]GGGCTGGGTACAACATTATTGACAGACTTTTTGATGGTAAGTTCTAACAAAAATTTTAAT-3'
Protein context (NP_001368.2, residues 3887-3907): KFYEFSLSDL[Arg3897Trp]AGYNIIDRLF

ClinVar aggregate classification (germline): Uncertain significance. Review status: criteria provided, multiple submitters, no conflicts (2 of 4 stars). 2 submissions from 2 submitters: Uncertain significance (2). Last evaluated 2023-09-25.

Conditions:
Jeune thoracic dystrophy. Also called: Jeune syndrome; Infantile thoracic dystrophy; Thoracic pelvic phalangeal dystrophy; Jeune's syndrome; Chondroectodermal dysplasia-like syndrome; Short-rib thoracic dysplasia. Identifiers: Orphanet 474, MedGen C0265275, MONDO:0018770.

Allele frequency attached by ClinVar (database versions not stated): ExAC 0.00007; ESP Exome Variant Server 0.00009; 1000 Genomes Project 30x 0.00016; TOPMed 0.00017; 1000 Genomes Project 0.00020.
gnomAD v4.1: 101 of 1,559,874 alleles (0.0065%); highest among the groups gnomAD compares: African/African-American, 0.031%; no homozygotes.

Submissions (2):

Blueprint Genetics
Classification: Uncertain significance. Last evaluated: 2023-09-25. Review status: criteria provided, single submitter. Criteria: ACMG Guidelines, 2015. Collection method: clinical testing. Allele origin: germline.

Labcorp Genetics (formerly Invitae), Labcorp
Classification: Uncertain significance for Jeune thoracic dystrophy. Last evaluated: 2022-04-10. Review status: criteria provided, single submitter. Criteria: Invitae Variant Classification Sherloc (09022015). Collection method: clinical testing. Allele origin: germline.
Comment: This sequence change replaces arginine, which is basic and polar, with tryptophan, which is neutral and slightly polar, at codon 3904 of the DYNC2H1 protein (p.Arg3904Trp). The frequency data for this variant in the population databases is considered unreliable, as metrics indicate poor data quality at this position in the gnomAD database. This variant has not been reported in the literature in individuals affected with DYNC2H1-related conditions. Algorithms developed to predict the effect of missense changes on protein structure and function are either unavailable or do not agree on the potential impact of this missense change (SIFT: "Deleterious"; PolyPhen-2: "Probably Damaging"; Align-GVGD: "Class C0"). In summary, the available evidence is currently insufficient to determine the role of this variant in disease. Therefore, it has been classified as a Variant of Uncertain Significance.